The following is an entry in ClinVar:

NM_014991.6(WDFY3):c.545G>A (p.Arg182His)

Gene: WDFY3 (WD repeat and FYVE domain containing 3; minus strand). Cytogenetic location: 4q21.23.
Variant type: single nucleotide variant.
Coding change: c.545G>A on transcript NM_014991.6 (MANE Select); coding-DNA position 545, G replaced by A.
Protein change: p.Arg182His; replaces arginine 182 with histidine.
Molecular consequence: missense variant.
Genome position (GRCh38, 1-based): chr4:84,836,960, C>T on the plus strand (G>A on the coding strand, the complement: WDFY3 is on the minus strand). VCF-style: chr4-84836960-C-T. GRCh37 (hg19) VCF-style: chr4-85758113-C-T.
Other names: c.545G>A (NM_014991.4); short protein forms R182H.
Identifiers: ClinVar variation 1711593 (VCV001711593.33), dbSNP rs1479796074, ClinGen allele CA357543848.

ClinVar aggregate classification (germline): Uncertain significance. Review status: criteria provided, multiple submitters, no conflicts (2 of 4 stars). 2 submissions from 2 submitters: Uncertain significance (2). Last evaluated 2022-08-01.

Conditions:
Inborn genetic diseases. Identifiers: MedGen C0950123, MeSH D030342.

Allele frequency attached by ClinVar (database versions not stated): gnomAD exomes below 0.00001; gnomAD 0.00001; TOPMed 0.00003.
gnomAD v4.1: 5 of 1,585,200 alleles (0.00032%); highest among the groups gnomAD compares: Non-Finnish European, 0.00034%; no homozygotes.

Submissions (2):

CeGaT Center for Human Genetics Tuebingen
Classification: Uncertain significance. Last evaluated: 2022-08-01. Review status: criteria provided, single submitter. Criteria: CeGaT Center For Human Genetics Tuebingen Variant Classification Criteria Version 2. Collection method: clinical testing. Allele origin: germline. Affected: yes. Observed: 1 variant allele.
Comment: WDFY3: PM2, PP2

Ambry Genetics
Classification: Uncertain significance for Inborn genetic diseases. Last evaluated: 2020-11-20. Review status: criteria provided, single submitter. Criteria: Ambry Variant Classification Scheme 2023. Collection method: clinical testing. Allele origin: germline.